The following is an entry in ClinVar:

ClinVar aggregate classification (germline): Uncertain significance. Review status: criteria provided, multiple submitters, no conflicts (2 of 4 stars). 3 submissions from 3 submitters: Uncertain significance (3). Last evaluated 2022-05-29.

Conditions:
Mucopolysaccharidosis, MPS-III-B (MPS3B). Also called: MUCOPOLYSACCHARIDOSIS, TYPE IIIB; N-ACETYL-ALPHA-D-GLUCOSAMINIDASE DEFICIENCY; NAGLU DEFICIENCY; SANFILIPPO SYNDROME B; MPS III B; Mucopolysaccharidosis type IIIB (Sanfilippo B). Identifiers: Orphanet 79270, MedGen C0086648, MONDO:0009656, OMIM 252920.
Charcot-Marie-Tooth disease axonal type 2V. Also called: CHARCOT-MARIE-TOOTH NEUROPATHY, TYPE 2V; CHARCOT-MARIE-TOOTH DISEASE, AXONAL, AUTOSOMAL DOMINANT, TYPE 2V. Identifiers: Orphanet 447964, MedGen C5569050, MONDO:0014665, OMIM 616491.

Allele frequency attached by ClinVar (database versions not stated): TOPMed 0.00002; gnomAD exomes below 0.00001.
gnomAD v4.1: 10 of 1,612,120 alleles (0.00062%); highest among the groups gnomAD compares: Non-Finnish European, 0.00085%; no homozygotes.

Submissions (3):

Labcorp Genetics (formerly Invitae), Labcorp
Classification: Uncertain significance for Charcot-Marie-Tooth disease axonal type 2V; Mucopolysaccharidosis, MPS-III-B. Last evaluated: 2022-05-29. Review status: criteria provided, single submitter. Criteria: Invitae Variant Classification Sherloc (09022015). Collection method: clinical testing. Allele origin: germline.
Comment: This sequence change replaces arginine, which is basic and polar, with leucine, which is neutral and non-polar, at codon 676 of the NAGLU protein (p.Arg676Leu). The frequency data for this variant in the population databases is considered unreliable, as metrics indicate poor data quality at this position in the gnomAD database. This variant has not been reported in the literature in individuals affected with NAGLU-related conditions. ClinVar contains an entry for this variant (Variation ID: 891695). Advanced modeling of protein sequence and biophysical properties (such as structural, functional, and spatial information, amino acid conservation, physicochemical variation, residue mobility, and thermodynamic stability) performed at Invitae indicates that this missense variant is not expected to disrupt NAGLU protein function. In summary, the available evidence is currently insufficient to determine the role of this variant in disease. Therefore, it has been classified as a Variant of Uncertain Significance.

Fulgent Genetics
Classification: Uncertain significance for Mucopolysaccharidosis, MPS-III-B; Charcot-Marie-Tooth disease axonal type 2V. Last evaluated: 2021-07-16. Review status: criteria provided, single submitter. Criteria: ACMG Guidelines, 2015. Collection method: clinical testing. Allele origin: unknown.

Illumina Laboratory Services, Illumina
Classification: Uncertain significance for Mucopolysaccharidosis, MPS-III-B. Last evaluated: 2017-04-28. Review status: criteria provided, single submitter. Criteria: ICSL Variant Classification Criteria 13 December 2019. Collection method: clinical testing. Allele origin: germline.

NM_000263.4(NAGLU):c.2027G>T (p.Arg676Leu)

Gene: NAGLU (N-acetyl-alpha-glucosaminidase; plus strand). Cytogenetic location: 17q21.2.
Variant type: single nucleotide variant.
Coding change: c.2027G>T on transcript NM_000263.4 (MANE Select); coding-DNA position 2027, G replaced by T.
Protein change: p.Arg676Leu; replaces arginine 676 with leucine.
Molecular consequence: missense variant.
Genome position (GRCh38, 1-based): chr17:42,544,033, G>T. VCF-style: chr17-42544033-G-T. GRCh37 (hg19) VCF-style: chr17-40696051-G-T.
Other names: short protein forms R676L.
Identifiers: ClinVar variation 891695 (VCV000891695.7), dbSNP rs1341421909, ClinGen allele CA399605921.